The following is an entry in ClinVar:

ClinVar aggregate classification (germline): Uncertain significance (1 of 4 stars; one submission).

Submission:

GeneDx
Classification: Uncertain significance. Last evaluated: 2024-06-26. Review status: criteria provided, single submitter. Criteria: GeneDx Variant Classification Process June 2021. Collection method: clinical testing. Allele origin: germline. Affected: yes.
Comment: Not observed at significant frequency in large population cohorts (gnomAD); In silico analysis supports that this missense variant has a deleterious effect on protein structure/function; Has not been previously published as pathogenic or benign to our knowledge

NM_003024.3(ITSN1):c.3416G>A (p.Gly1139Glu)

Gene: ITSN1 (intersectin 1; plus strand). Cytogenetic location: 21q22.11.
Variant type: single nucleotide variant.
Coding change: c.3416G>A on transcript NM_003024.3 (MANE Select); coding-DNA position 3416, G replaced by A.
Protein change: p.Gly1139Glu; replaces glycine 1139 with glutamic acid.
Molecular consequence: missense variant.
Genome position (GRCh38, 1-based): chr21:33,834,371, G>A. VCF-style: chr21-33834371-G-A. GRCh37 (hg19) VCF-style: chr21-35206675-G-A.
Other names: c.3416G>A, p.Gly1139Glu (NM_001001132.2); c.3203G>A, p.Gly1068Glu (NM_001331008.2); c.3401G>A, p.Gly1134Glu (NM_001331009.2, NM_001331010.2); c.3188G>A, p.Gly1063Glu (NM_001331011.2); c.3290G>A, p.Gly1097Glu (NM_001331012.2); short protein forms G1063E, G1134E, G1097E, G1139E, G1068E.
Identifiers: ClinVar variation 3393607 (VCV003393607.1).